The following is an entry in ClinVar:

NM_198075.4(LRRC56):c.38G>A (p.Arg13Gln)

Gene: LRRC56 (leucine rich repeat containing 56; plus strand). Cytogenetic location: 11p15.5.
Variant type: single nucleotide variant.
Coding change: c.38G>A on transcript NM_198075.4 (MANE Select); coding-DNA position 38, G replaced by A.
Protein change: p.Arg13Gln; replaces arginine 13 with glutamine.
Molecular consequence: missense variant.
Genome position (GRCh38, 1-based): chr11:540,722, G>A. VCF-style: chr11-540722-G-A. GRCh37 (hg19) VCF-style: chr11-540722-G-A.
Other names: c.38G>A (NM_198075.3); short protein forms R13Q.
Identifiers: ClinVar variation 2184116 (VCV002184116.3), dbSNP rs769932469, ClinGen allele CA5779474.

ClinVar aggregate classification (germline): Uncertain significance. Review status: criteria provided, multiple submitters, no conflicts (2 of 4 stars). 2 submissions from 2 submitters: Uncertain significance (2). Last evaluated 2025-10-02.

Allele frequency attached by ClinVar (database versions not stated): gnomAD exomes 0.00002; TOPMed 0.00013; gnomAD 0.00003; ExAC 0.00007.
gnomAD v4.1: 37 of 1,612,506 alleles (0.0023%); highest among the groups gnomAD compares: Admixed American, 0.02%; no homozygotes.

Submissions (2):

Ambry Genetics
Classification: Uncertain significance. Last evaluated: 2025-10-02. Review status: criteria provided, single submitter. Criteria: Ambry Variant Classification Scheme 2023. Collection method: clinical testing. Allele origin: germline.

Labcorp Genetics (formerly Invitae), Labcorp
Classification: Uncertain significance. Last evaluated: 2022-03-13. Review status: criteria provided, single submitter. Criteria: Invitae Variant Classification Sherloc (09022015). Collection method: clinical testing. Allele origin: germline.
Comment: In summary, the available evidence is currently insufficient to determine the role of this variant in disease. Therefore, it has been classified as a Variant of Uncertain Significance. Algorithms developed to predict the effect of missense changes on protein structure and function are either unavailable or do not agree on the potential impact of this missense change (SIFT: "Deleterious"; PolyPhen-2: "Benign"; Align-GVGD: "Class C0"). This variant has not been reported in the literature in individuals affected with LRRC56-related conditions. This variant is present in population databases (rs769932469, gnomAD 0.02%). This sequence change replaces arginine, which is basic and polar, with glutamine, which is neutral and polar, at codon 13 of the LRRC56 protein (p.Arg13Gln).